The following is an entry in ClinVar:

NM_000875.5(IGF1R):c.2035G>A (p.Asp679Asn)

Gene: IGF1R (insulin like growth factor 1 receptor; plus strand). Cytogenetic location: 15q26.3.
Variant type: single nucleotide variant.
Coding change: c.2035G>A on transcript NM_000875.5 (MANE Select); coding-DNA position 2035, G replaced by A.
Protein change: p.Asp679Asn; replaces aspartic acid 679 with asparagine.
Molecular consequence: missense variant.
Genome position (GRCh38, 1-based): chr15:98,916,710, G>A. VCF-style: chr15-98916710-G-A. GRCh37 (hg19) VCF-style: chr15-99459939-G-A.
Other names: c.2035G>A, p.Asp679Asn (NM_001291858.2); short protein forms D679N.
Identifiers: ClinVar variation 3617448 (VCV003617448.2).

ClinVar aggregate classification (germline): Uncertain significance (1 of 4 stars; one submission).

gnomAD v4.1: 12 of 1,613,928 alleles (0.00074%); highest among the groups gnomAD compares: Non-Finnish European, 0.00093%; no homozygotes.

Submission:

Labcorp Genetics (formerly Invitae), Labcorp
Classification: Uncertain significance. Last evaluated: 2025-01-23. Review status: criteria provided, single submitter. Criteria: Invitae Variant Classification Sherloc (09022015). Collection method: clinical testing. Allele origin: germline.
Comment: This sequence change replaces aspartic acid, which is acidic and polar, with asparagine, which is neutral and polar, at codon 679 of the IGF1R protein (p.Asp679Asn). This variant is present in population databases (rs771230491, gnomAD 0.002%). This variant has not been reported in the literature in individuals affected with IGF1R-related conditions. Invitae Evidence Modeling of protein sequence and biophysical properties (such as structural, functional, and spatial information, amino acid conservation, physicochemical variation, residue mobility, and thermodynamic stability) indicates that this missense variant is not expected to disrupt IGF1R protein function with a negative predictive value of 80%. In summary, the available evidence is currently insufficient to determine the role of this variant in disease. Therefore, it has been classified as a Variant of Uncertain Significance.